The following is an entry in ClinVar:

NM_003482.4(KMT2D):c.10957G>A (p.Gly3653Arg)

Gene: KMT2D (lysine methyltransferase 2D; minus strand). Cytogenetic location: 12q13.12.
Variant type: single nucleotide variant.
Coding change: c.10957G>A on transcript NM_003482.4 (MANE Select); coding-DNA position 10957, G replaced by A.
Protein change: p.Gly3653Arg; replaces glycine 3653 with arginine.
Molecular consequence: missense variant.
Genome position (GRCh38, 1-based): chr12:49,033,748, C>T on the plus strand (G>A on the coding strand, the complement: KMT2D is on the minus strand). VCF-style: chr12-49033748-C-T. GRCh37 (hg19) VCF-style: chr12-49427531-C-T.
Other names: c.10957G>A (NM_003482.3); short protein forms G3653R.
Identifiers: ClinVar variation 1397468 (VCV001397468.9), dbSNP rs780464972, ClinGen allele CA6546393.
Genomic context (GRCh38, chr12:49,033,748, plus strand): 5'-GGAAGGGGCCACCAGGCTGTCCAGGTAGTGCCATACCCCCAGGGGTCAGGCGAAGACCTC[C>T]GGCTTGCCCACCCGGAGGCCCCTGTGGTGGCTGCAGCCCATGGCCAGGGAGCAGCTGACC-3'
Protein context (NP_003473.3, residues 3643-3663): PPQGPPGGQA[Gly3653Arg]GLRLTPGGMA

ClinVar aggregate classification (germline): Conflicting classifications of pathogenicity. Review status: criteria provided, conflicting classifications (1 of 4 stars). 2 submissions from 2 submitters: Uncertain significance (1); Benign (1). Last evaluated 2026-07-11.

Conditions:
KMT2D-related disorder. Also called: KMT2D-Related Disorders.
Kabuki syndrome. Also called: Kabuki make-up syndrome; NIIKAWA-KUROKI SYNDROME. Identifiers: Orphanet 2322, MedGen C0796004, MONDO:0016512.

Allele frequency attached by ClinVar (database versions not stated): gnomAD 0.00001; gnomAD exomes 0.00002 and 0.00005; ExAC 0.00003.
gnomAD v4.1: 70 of 1,612,534 alleles (0.0043%); highest among the groups gnomAD compares: Admixed American, 0.005%; no homozygotes.

Submissions (2):

PreventionGenetics, part of Exact Sciences
Classification: Uncertain significance for KMT2D-related condition. Last evaluated: 2026-07-11. Review status: criteria provided, single submitter. Criteria: ACMG Guidelines, 2015. Collection method: clinical testing. Allele origin: germline.
Comment: The KMT2D c.10957G>A variant is predicted to result in the amino acid substitution p.Gly3653Arg. This variant was reported in an individual with congenital heart disease (Sierant et al. 2025. PubMed ID: 40127276). This variant is reported in 0.0066% of alleles in individuals of South Asian descent in gnomAD. At this time, the clinical significance of this variant is uncertain due to the absence of conclusive functional and genetic evidence.

Labcorp Genetics (formerly Invitae), Labcorp
Classification: Benign for Kabuki syndrome. Last evaluated: 2025-05-27. Review status: criteria provided, single submitter. Criteria: Invitae Variant Classification Sherloc (09022015). Collection method: clinical testing. Allele origin: germline.